The following is an entry in ClinVar:

NM_004836.7(EIF2AK3):c.2935G>A (p.Ala979Thr)

Genes: EIF2AK3-AS1 (EIF2AK3 antisense RNA 1; plus strand), EIF2AK3 (eukaryotic translation initiation factor 2 alpha kinase 3; minus strand). Cytogenetic location: 2p11.2.
Variant type: single nucleotide variant.
Coding change: c.2935G>A on transcript NM_004836.7 (MANE Select); coding-DNA position 2935, G replaced by A.
Protein change: p.Ala979Thr; replaces alanine 979 with threonine.
Molecular consequence: missense variant.
Genome position (GRCh38, 1-based): chr2:88,570,924, C>T on the plus strand (G>A on the coding strand, the complement: EIF2AK3 is on the minus strand). VCF-style: chr2-88570924-C-T. GRCh37 (hg19) VCF-style: chr2-88870442-C-T.
Other names: c.2482G>A, p.Ala828Thr (NM_001313915.2); short protein forms A828T, A979T.
Identifiers: ClinVar variation 898594 (VCV000898594.7), dbSNP rs766524866, ClinGen allele CA1754368.
Genomic context (GRCh38, chr2:88,570,924, plus strand): 5'-AAAAACTCACCTGCTCTGGGCTCATATACAGTTTGGTCCCTACTTGTCCTGTGTGTCTGG[C>T]ATAAGCTGGCATTGGGGTCAGAACCGTCTGCTCTTCCTCATCCTGGTCCATTGCAGTCAC-3'
Protein context (NP_004827.4, residues 969-989): QTVLTPMPAY[Ala979Thr]RHTGQVGTKL

ClinVar aggregate classification (germline): Uncertain significance. Review status: criteria provided, multiple submitters, no conflicts (2 of 4 stars). 2 submissions from 2 submitters: Uncertain significance (2). Last evaluated 2023-08-30.

Conditions:
Wolcott-Rallison dysplasia. Also called: MED-IDDM SYNDROME; Wolcott-Rallison syndrome. Identifiers: Orphanet 1667, MedGen C0432217, MONDO:0009192, OMIM 226980.

Allele frequency attached by ClinVar (database versions not stated): TOPMed below 0.00001; ExAC 0.00001; gnomAD 0.00001; gnomAD exomes 0.00001.
gnomAD v4.1: 12 of 1,613,992 alleles (0.00074%); highest among the groups gnomAD compares: Non-Finnish European, 0.00093%; no homozygotes.

Submissions (2):

Labcorp Genetics (formerly Invitae), Labcorp
Classification: Uncertain significance. Last evaluated: 2023-08-30. Review status: criteria provided, single submitter. Criteria: Invitae Variant Classification Sherloc (09022015). Collection method: clinical testing. Allele origin: germline.
Comment: This variant has not been reported in the literature in individuals affected with EIF2AK3-related conditions. ClinVar contains an entry for this variant (Variation ID: 898594). An algorithm developed to predict the effect of missense changes on protein structure and function (PolyPhen-2) suggests that this variant is likely to be tolerated. This sequence change replaces alanine, which is neutral and non-polar, with threonine, which is neutral and polar, at codon 979 of the EIF2AK3 protein (p.Ala979Thr). This variant is present in population databases (rs766524866, gnomAD 0.002%). In summary, the available evidence is currently insufficient to determine the role of this variant in disease. Therefore, it has been classified as a Variant of Uncertain Significance.

Illumina Laboratory Services, Illumina
Classification: Uncertain significance for Wolcott-Rallison dysplasia. Last evaluated: 2018-01-13. Review status: criteria provided, single submitter. Criteria: ICSL Variant Classification Criteria 13 December 2019. Collection method: clinical testing. Allele origin: germline.